The following is an entry in ClinVar:

ClinVar aggregate classification (germline): Uncertain significance (1 of 4 stars; one submission).

gnomAD v4.1: 3 of 1,545,762 alleles (0.00019%); highest among the groups gnomAD compares: African/African-American, 0.0027%; no homozygotes.

Submission:

GeneDx
Classification: Uncertain significance. Last evaluated: 2024-03-01. Review status: criteria provided, single submitter. Criteria: GeneDx Variant Classification Process June 2021. Collection method: clinical testing. Allele origin: germline. Affected: yes.
Comment: In silico analysis supports that this missense variant has a deleterious effect on protein structure/function; Has not been previously published as pathogenic or benign to our knowledge

NM_001853.4(COL9A3):c.131G>A (p.Gly44Asp)

Gene: COL9A3 (collagen type IX alpha 3 chain; plus strand). Cytogenetic location: 20q13.33.
Variant type: single nucleotide variant.
Coding change: c.131G>A on transcript NM_001853.4 (MANE Select); coding-DNA position 131, G replaced by A.
Protein change: p.Gly44Asp; replaces glycine 44 with aspartic acid.
Molecular consequence: missense variant.
Genome position (GRCh38, 1-based): chr20:62,817,619, G>A. VCF-style: chr20-62817619-G-A. GRCh37 (hg19) VCF-style: chr20-61448971-G-A.
Other names: short protein forms G44D.
Identifiers: ClinVar variation 3373549 (VCV003373549.1).
Genomic context (GRCh38, chr20:62,817,619, plus strand): 5'-CGTTTCAGAGAGTGGGACTCCCCGGCCCCCCCGGCCCCCCAGGGCCGCCCGGGAAGCCCG[G>A]CCAGGACGGCATTGACGTGAGTTTGGGGGTGGGGAGGGCCCCGAGCGCTCTGGGGTTCTG-3'
Protein context (NP_001844.3, residues 34-54): PGPPGPPGKP[Gly44Asp]QDGIDGEAGP